The following is an entry in ClinVar:

ClinVar aggregate classification (germline): Uncertain significance (1 of 4 stars; one submission).

Conditions:
FGFR2-related craniosynostosis. Identifiers: MedGen CN231480.

gnomAD v4.1: 7 of 1,614,172 alleles (0.00043%); highest among the groups gnomAD compares: South Asian, 0.0055%; no homozygotes.

Submission:

Labcorp Genetics (formerly Invitae), Labcorp
Classification: Uncertain significance for FGFR2-related craniosynostosis. Last evaluated: 2025-01-13. Review status: criteria provided, single submitter. Criteria: Invitae Variant Classification Sherloc (09022015). Collection method: clinical testing. Allele origin: germline.
Comment: This sequence change replaces lysine, which is basic and polar, with arginine, which is basic and polar, at codon 509 of the FGFR2 protein (p.Lys509Arg). This variant is present in population databases (rs770391340, gnomAD 0.003%). This variant has not been reported in the literature in individuals affected with FGFR2-related conditions. Invitae Evidence Modeling of protein sequence and biophysical properties (such as structural, functional, and spatial information, amino acid conservation, physicochemical variation, residue mobility, and thermodynamic stability) indicates that this missense variant is not expected to disrupt FGFR2 protein function with a negative predictive value of 80%. In summary, the available evidence is currently insufficient to determine the role of this variant in disease. Therefore, it has been classified as a Variant of Uncertain Significance.

NM_000141.5(FGFR2):c.1526A>G (p.Lys509Arg)

Gene: FGFR2 (fibroblast growth factor receptor 2; minus strand). Cytogenetic location: 10q26.13.
Variant type: single nucleotide variant.
Coding change: c.1526A>G on transcript NM_000141.5 (MANE Select); coding-DNA position 1526, A replaced by G.
Protein change: p.Lys509Arg; replaces lysine 509 with arginine.
Molecular consequence: missense variant. On other transcripts: non-coding transcript variant (1).
Genome position (GRCh38, 1-based): chr10:121,500,861, T>C on the plus strand (A>G on the coding strand, the complement: FGFR2 is on the minus strand). VCF-style: chr10-121500861-T-C. GRCh37 (hg19) VCF-style: chr10-123260375-T-C.
Other names: c.842A>G, p.Lys281Arg (NM_001320654.2); c.1520A>G, p.Lys507Arg (NM_001320658.2); c.1529A>G, p.Lys510Arg (NM_022970.4, NM_001144913.1); c.1259A>G, p.Lys420Arg (NM_023029.3, NM_001144915.2); c.1190A>G, p.Lys397Arg (NM_001144914.1); c.1181A>G, p.Lys394Arg (NM_001144916.2); c.1178A>G, p.Lys393Arg (NM_001144917.2); c.1175A>G, p.Lys392Arg (NM_001144918.2); and 1 more; short protein forms K393R, K507R, K392R, K394R, K397R, K509R, K281R, K420R.
Identifiers: ClinVar variation 3681995 (VCV003681995.2).